The following is an entry in ClinVar:

NM_018163.3(DNAJC17):c.495T>C (p.Thr165=)

Gene: DNAJC17 (DnaJ heat shock protein family (Hsp40) member C17; minus strand). Cytogenetic location: 15q15.1.
Variant type: single nucleotide variant.
Coding change: c.495T>C on transcript NM_018163.3 (MANE Select); coding-DNA position 495, T replaced by C.
Protein change: p.Thr165=; no amino-acid change (threonine 165 retained).
Molecular consequence: synonymous variant.
Genome position (GRCh38, 1-based): chr15:40,775,580, A>G on the plus strand (T>C on the coding strand, the complement: DNAJC17 is on the minus strand). VCF-style: chr15-40775580-A-G. GRCh37 (hg19) VCF-style: chr15-41067778-A-G.
Other names: c.495T>C (NM_018163.2).
Identifiers: ClinVar variation 1549544 (VCV001549544.10), dbSNP rs200309772, ClinGen allele CA7485119.
Genomic context (GRCh38, chr15:40,775,580, plus strand): 5'-GTGAGGTGGCCCACAGATCCTGCCCAGGCTCACCTTTAGTTTGGGGGTTCCTTGGCCTTC[A>G]GTATTTTCTGCCTTTCCTAGAAATATTGGGAAAAGAAGAAAAGTAGAATATGAGGGAGTC-3'
Protein context (NP_060633.1, residues 155-175): DQRLRGKAEN[Thr165=]EGQGTPKLKL

ClinVar aggregate classification (germline): Likely benign. Review status: criteria provided, single submitter (1 of 4 stars). 2 submissions from 2 submitters: Likely benign (1). 1 of the submissions does not count toward it. Last evaluated 2025-10-15.

Conditions:
DNAJC17-related disorder. Also called: DNAJC17-related condition.

Allele frequency attached by ClinVar (database versions not stated): ExAC 0.00041; ESP Exome Variant Server 0.00054; TOPMed 0.00062; gnomAD exomes 0.00064; gnomAD 0.00067 and 0.00069.
gnomAD v4.1: 1,676 of 1,613,952 alleles (0.1%); highest among the groups gnomAD compares: Non-Finnish European, 0.14%; 3 homozygotes.

Submissions (2):

Labcorp Genetics (formerly Invitae), Labcorp
Classification: Likely benign. Last evaluated: 2025-10-15. Review status: criteria provided, single submitter. Criteria: Invitae Variant Classification Sherloc (09022015). Collection method: clinical testing. Allele origin: germline.

PreventionGenetics, part of Exact Sciences
Classification: Likely benign for DNAJC17-related condition. Last evaluated: 2019-06-26. Review status: no assertion criteria provided. Collection method: clinical testing. Allele origin: germline. Not counted in ClinVar's aggregate classification.
Comment: This variant is classified as likely benign based on ACMG/AMP sequence variant interpretation guidelines (Richards et al. 2015 PMID: 25741868, with internal and published modifications).